The following is an entry in ClinVar:

ClinVar aggregate classification (germline): Likely benign. Review status: criteria provided, multiple submitters, no conflicts (2 of 4 stars). 8 submissions from 8 submitters: Likely benign (7). 1 of the submissions does not count toward it. Last evaluated 2025-11-01.

Conditions:
MYBPC3-related disorder. Also called: MYBPC3-related condition; MYBPC3-related disease; MYBPC3-related disorders.
Cardiovascular phenotype. Identifiers: MedGen CN230736.
Cardiomyopathy (CMYO). Also called: Cardiomyopathies. Identifiers: Orphanet 167848, MedGen C0878544, MONDO:0004994, HP:0001638. Inheritance: Various modes of inheritance.
Hypertrophic cardiomyopathy. Also called: HYPERTROPHIC MYOCARDIOPATHY. Identifiers: Orphanet 217569, MedGen C0007194, MeSH D002312, MONDO:0005045, HP:0001639.

Allele frequency attached by ClinVar (database versions not stated): gnomAD exomes 0.00004; TOPMed 0.00004; ExAC 0.00006; ESP Exome Variant Server 0.00008.
gnomAD v4.1: 39 of 1,613,750 alleles (0.0024%); highest among the groups gnomAD compares: South Asian, 0.012%; 1 homozygote.

Submissions (8):

Labcorp Genetics (formerly Invitae), Labcorp
Classification: Likely benign for Hypertrophic cardiomyopathy. Last evaluated: 2025-11-01. Review status: criteria provided, single submitter. Criteria: Invitae Variant Classification Sherloc (09022015). Collection method: clinical testing. Allele origin: germline.

Molecular Diagnostic Laboratory for Inherited Cardiovascular Disease, Montreal Heart Institute
Classification: Likely benign. Last evaluated: 2025-04-09. Review status: criteria provided, single submitter. Criteria: ACMG Guidelines, 2015. Collection method: clinical testing. Allele origin: germline. Affected: no.

Ambry Genetics
Classification: Likely benign for Cardiovascular phenotype. Last evaluated: 2024-06-21. Review status: criteria provided, single submitter. Criteria: Ambry Variant Classification Scheme 2023. Collection method: clinical testing. Allele origin: germline.

All of Us Research Program, National Institutes of Health
Classification: Likely benign for Hypertrophic cardiomyopathy. Last evaluated: 2023-10-30. Review status: criteria provided, single submitter. Criteria: ACMG Guidelines, 2015. Collection method: clinical testing. Allele origin: germline. Inheritance: Autosomal dominant inheritance. Observed: 8 variant alleles, 8 heterozygotes.
Comment: This study involves interpretation of variants in research participants for the purpose of population health screening. Participant phenotype was not available at the time of variant classification. Additional details can be found in publication PMID: 35346344, PMCID: PMC8962531

GeneDx
Classification: Likely benign. Last evaluated: 2019-10-31. Review status: criteria provided, single submitter. Criteria: GeneDx Variant Classification Process June 2021. Collection method: clinical testing. Allele origin: germline. Affected: yes.

Color Diagnostics, LLC DBA Color Health
Classification: Likely benign for Cardiomyopathy. Last evaluated: 2019-08-20. Review status: criteria provided, single submitter. Criteria: ACMG Guidelines, 2015. Collection method: clinical testing. Allele origin: germline.

Laboratory for Molecular Medicine, Mass General Brigham Personalized Medicine
Classification: Likely benign. Last evaluated: 2012-03-19. Review status: criteria provided, single submitter. Criteria: LMM Criteria. Collection method: clinical testing. Allele origin: germline. Observed: 1 variant allele.
Comment: Gly839Gly in exon 25 of MYBPC3: This variant is not expected to have clinical si gnificance because it does not alter an amino acid residue and is not located wi thin the splice consensus sequence. It has been identified in 1/6952 European Am erican chromosomes from a broad population by the NHLBI Exome Sequencing Project. Gly839Gly in exon 25 of MYBPC3 (allele fre quency = 1/6952) **

PreventionGenetics, part of Exact Sciences
Classification: Likely benign for MYBPC3-related condition. Last evaluated: 2023-03-14. Review status: no assertion criteria provided. Collection method: clinical testing. Allele origin: germline. Not counted in ClinVar's aggregate classification.
Comment: This variant is classified as likely benign based on ACMG/AMP sequence variant interpretation guidelines (Richards et al. 2015 PMID: 25741868, with internal and published modifications).

NM_000256.3(MYBPC3):c.2517C>T (p.Gly839=)

Gene: MYBPC3 (myosin binding protein C3; minus strand). Cytogenetic location: 11p11.2.
Variant type: single nucleotide variant.
Coding change: c.2517C>T on transcript NM_000256.3 (MANE Select); coding-DNA position 2517, C replaced by T.
Protein change: p.Gly839=; no amino-acid change (glycine 839 retained).
Molecular consequence: synonymous variant.
Genome position (GRCh38, 1-based): chr11:47,337,476, G>A on the plus strand (C>T on the coding strand, the complement: MYBPC3 is on the minus strand). VCF-style: chr11-47337476-G-A. GRCh37 (hg19) VCF-style: chr11-47359027-G-A.
Identifiers: ClinVar variation 164075 (VCV000164075.19), dbSNP rs370561202, ClinGen allele CA012448.